The following is an entry in ClinVar:

NM_005378.6(MYCN):c.1093C>A (p.Pro365Thr)

Gene: MYCN (MYCN proto-oncogene, bHLH transcription factor; plus strand). Cytogenetic location: 2p24.3.
Variant type: single nucleotide variant.
Coding change: c.1093C>A on transcript NM_005378.6 (MANE Select); coding-DNA position 1093, C replaced by A.
Protein change: p.Pro365Thr; replaces proline 365 with threonine.
Molecular consequence: missense variant. On other transcripts: 3 prime UTR variant (1).
Genome position (GRCh38, 1-based): chr2:15,945,795, C>A. VCF-style: chr2-15945795-C-A. GRCh37 (hg19) VCF-style: chr2-16085917-C-A.
Other names: c.1093C>A, p.Pro365Thr (NM_001293228.2); c.460C>A, p.Pro154Thr (NM_001293231.2); c.*1028C>A (NM_001293233.2); short protein forms P154T, P365T.
Identifiers: ClinVar variation 4750904 (VCV004750904.1).

ClinVar aggregate classification (germline): Uncertain significance (1 of 4 stars; one submission).

gnomAD v4.1: 13 of 1,613,952 alleles (0.00081%); highest among the groups gnomAD compares: African/African-American, 0.0013%; no homozygotes.

Submission:

Labcorp Genetics (formerly Invitae), Labcorp
Classification: Uncertain significance. Last evaluated: 2025-08-24. Review status: criteria provided, single submitter. Criteria: Invitae Variant Classification Sherloc (09022015). Collection method: clinical testing. Allele origin: germline.
Comment: This sequence change replaces proline, which is neutral and non-polar, with threonine, which is neutral and polar, at codon 365 of the MYCN protein (p.Pro365Thr). This variant is present in population databases (no rsID available, gnomAD 0.003%). This variant has not been reported in the literature in individuals affected with MYCN-related conditions. Invitae Evidence Modeling of protein sequence and biophysical properties (such as structural, functional, and spatial information, amino acid conservation, physicochemical variation, residue mobility, and thermodynamic stability) indicates that this missense variant is not expected to disrupt MYCN protein function with a negative predictive value of 95%. In summary, the available evidence is currently insufficient to determine the role of this variant in disease. Therefore, it has been classified as a Variant of Uncertain Significance.